The following is an entry in ClinVar:

ClinVar aggregate classification (germline): Pathogenic (1 of 4 stars; one submission).

Submission:

Labcorp Genetics (formerly Invitae), Labcorp
Classification: Pathogenic. Last evaluated: 2025-01-13. Review status: criteria provided, single submitter. Criteria: Invitae Variant Classification Sherloc (09022015). Collection method: clinical testing. Allele origin: germline.
Comment: This sequence change creates a premature translational stop signal (p.Lys61Argfs*13) in the FH gene. It is expected to result in an absent or disrupted protein product. Loss-of-function variants in FH are known to be pathogenic (PMID: 11865300, 21398687). This variant is not present in population databases (gnomAD no frequency). This variant has not been reported in the literature in individuals affected with FH-related conditions. For these reasons, this variant has been classified as Pathogenic.

Literature cited by the submitters: PubMed 11865300; PubMed 21398687.

NM_000143.4(FH):c.182del (p.Lys61fs)

Gene: FH (fumarate hydratase; minus strand). Cytogenetic location: 1q43.
Variant type: Deletion.
Coding change: c.182del on transcript NM_000143.4 (MANE Select); coding-DNA position 182, one base deleted (A; older notation c.182delA).
Protein change: p.Lys61fs; shifts the reading frame from lysine 61.
Molecular consequence: frameshift variant.
Genome position (GRCh38, 1-based): chr1:241,517,267, T deleted on the plus strand (A on the coding strand, the reverse complement: FH is on the minus strand); the first of 3 consecutive T bases (chr1:241,517,267-241,517,269); deleting any one gives the same sequence. VCF-style (leftmost placement, unchanged base first): chr1-241517266-CT-C. GRCh37 (hg19) VCF-style: chr1-241680566-CT-C.
Other names: short protein forms K61fs.
Identifiers: ClinVar variation 3728764 (VCV003728764.2).